The following is an entry in ClinVar:

NM_001291088.2(WDR87):c.2551C>T (p.Arg851Trp)

Gene: WDR87 (WD repeat domain 87; minus strand). Cytogenetic location: 19q13.13.
Variant type: single nucleotide variant.
Coding change: c.2551C>T on transcript NM_001291088.2 (MANE Select); coding-DNA position 2551, C replaced by T.
Protein change: p.Arg851Trp; replaces arginine 851 with tryptophan.
Molecular consequence: missense variant.
Genome position (GRCh38, 1-based): chr19:37,893,152, G>A on the plus strand (C>T on the coding strand, the complement: WDR87 is on the minus strand). VCF-style: chr19-37893152-G-A. GRCh37 (hg19) VCF-style: chr19-38383792-G-A.
Other names: c.2434C>T, p.Arg812Trp (NM_031951.5); short protein forms R851W, R812W.
Identifiers: ClinVar variation 4736732 (VCV004736732.1).
Genomic context (GRCh38, chr19:37,893,152, plus strand): 5'-TAGCTCTTACCCTGCTGTGCCAGAAAAAGAATTCTTGAGACCTGTCCCATTCCAGCTCCC[G>A]CTGGGGTGCATGCAGGTTGCACTGTAGGTATATTGGGGTGCCCTCTGGCCAAAGACGGGC-3'
Protein context (NP_001278017.1, residues 841-861): YLQCNLHAPQ[Arg851Trp]ELEWDRSQEF

ClinVar aggregate classification (germline): Uncertain significance (1 of 4 stars; one submission).

gnomAD v4.1: 34 of 1,551,776 alleles (0.0022%); highest among the groups gnomAD compares: African/African-American, 0.031%; no homozygotes.

Submission:

Labcorp Genetics (formerly Invitae), Labcorp
Classification: Uncertain significance. Last evaluated: 2025-12-25. Review status: criteria provided, single submitter. Criteria: Invitae Variant Classification Sherloc (09022015). Collection method: clinical testing. Allele origin: germline.
Comment: This sequence change replaces arginine, which is basic and polar, with tryptophan, which is neutral and slightly polar, at codon 812 of the WDR87 protein (p.Arg812Trp). This variant is present in population databases (no rsID available, gnomAD 0.05%). This variant has not been reported in the literature in individuals affected with WDR87-related conditions. An algorithm developed to predict the effect of missense changes on protein structure and function outputs the following: PolyPhen-2: "Benign". The tryptophan amino acid residue is found in multiple mammalian species, which suggests that this missense change does not adversely affect protein function. In summary, the available evidence is currently insufficient to determine the role of this variant in disease. Therefore, it has been classified as a Variant of Uncertain Significance.